The following is an entry in ClinVar:

ClinVar aggregate classification (germline): Uncertain significance (1 of 4 stars; one submission).

Conditions:
Left ventricular noncompaction 8 (LVNC8). Identifiers: Orphanet 154, Orphanet 54260, MedGen C3809288, MONDO:0014152, OMIM 615373.

gnomAD v4.1: 5 of 1,613,322 alleles (0.00031%); highest among the groups gnomAD compares: Non-Finnish European, 0.00042%; no homozygotes.

Submission:

Labcorp Genetics (formerly Invitae), Labcorp
Classification: Uncertain significance for Left ventricular noncompaction 8. Last evaluated: 2024-09-16. Review status: criteria provided, single submitter. Criteria: Invitae Variant Classification Sherloc (09022015). Collection method: clinical testing. Allele origin: germline.
Comment: This sequence change replaces aspartic acid, which is acidic and polar, with glutamic acid, which is acidic and polar, at codon 1123 of the PRDM16 protein (p.Asp1123Glu). This variant is not present in population databases (gnomAD no frequency). This variant has not been reported in the literature in individuals affected with PRDM16-related conditions. An algorithm developed to predict the effect of missense changes on protein structure and function outputs the following: PolyPhen-2: "Benign". The glutamic acid amino acid residue is found in multiple mammalian species, which suggests that this missense change does not adversely affect protein function. In summary, the available evidence is currently insufficient to determine the role of this variant in disease. Therefore, it has been classified as a Variant of Uncertain Significance.

NM_022114.4(PRDM16):c.3369C>A (p.Asp1123Glu)

Gene: PRDM16 (PR/SET domain 16; plus strand). Cytogenetic location: 1p36.32.
Variant type: single nucleotide variant.
Coding change: c.3369C>A on transcript NM_022114.4 (MANE Select); coding-DNA position 3369, C replaced by A.
Protein change: p.Asp1123Glu; replaces aspartic acid 1123 with glutamic acid.
Molecular consequence: missense variant.
Genome position (GRCh38, 1-based): chr1:3,430,956, C>A. VCF-style: chr1-3430956-C-A. GRCh37 (hg19) VCF-style: chr1-3347520-C-A.
Other names: c.3369C>A, p.Asp1123Glu (NM_199454.3); short protein forms D1123E.
Identifiers: ClinVar variation 3615143 (VCV003615143.2).